The following is an entry in ClinVar:

NM_000088.4(COL1A1):c.98A>G (p.Glu33Gly)

Gene: COL1A1 (collagen type I alpha 1 chain; minus strand). Cytogenetic location: 17q21.33.
Variant type: single nucleotide variant.
Coding change: c.98A>G on transcript NM_000088.4 (MANE Select); coding-DNA position 98, A replaced by G.
Protein change: p.Glu33Gly; replaces glutamic acid 33 with glycine.
Molecular consequence: missense variant.
Genome position (GRCh38, 1-based): chr17:50,201,416, T>C on the plus strand (A>G on the coding strand, the complement: COL1A1 is on the minus strand). VCF-style: chr17-50201416-T-C. GRCh37 (hg19) VCF-style: chr17-48278777-T-C.
Other names: short protein forms E33G.
Identifiers: ClinVar variation 3781266 (VCV003781266.1).

ClinVar aggregate classification (germline): Uncertain significance (1 of 4 stars; one submission).

gnomAD v4.1: 1 of 1,613,732 alleles (0.000062%); highest among the groups gnomAD compares: Non-Finnish European, 0.000085%; no homozygotes.

Submission:

GeneDx
Classification: Uncertain significance. Last evaluated: 2024-10-17. Review status: criteria provided, single submitter. Criteria: GeneDx Variant Classification Process June 2021. Collection method: clinical testing. Allele origin: germline. Affected: yes.
Comment: Not observed at significant frequency in large population cohorts (gnomAD); In silico analysis indicates that this missense variant does not alter protein structure/function; Has not been previously published as pathogenic or benign to our knowledge